The following is an entry in ClinVar:

ClinVar aggregate classification (germline): Uncertain significance (1 of 4 stars; one submission).

Conditions:
Wilms tumor 1 (WT1). Also called: Wilms tumor, somatic. Identifiers: Orphanet 654, MedGen CN033288, MONDO:0008679, OMIM 194070.

Submission:

Labcorp Genetics (formerly Invitae), Labcorp
Classification: Uncertain significance for Wilms tumor 1. Last evaluated: 2023-10-24. Review status: criteria provided, single submitter. Criteria: Invitae Variant Classification Sherloc (09022015). Collection method: clinical testing. Allele origin: germline.
Comment: This sequence change replaces glutamine, which is neutral and polar, with arginine, which is basic and polar, at codon 335 of the GPC3 protein (p.Gln335Arg). This variant is not present in population databases (gnomAD no frequency). This variant has not been reported in the literature in individuals affected with GPC3-related conditions. Advanced modeling of protein sequence and biophysical properties (such as structural, functional, and spatial information, amino acid conservation, physicochemical variation, residue mobility, and thermodynamic stability) performed at Invitae indicates that this missense variant is not expected to disrupt GPC3 protein function with a negative predictive value of 80%. In summary, the available evidence is currently insufficient to determine the role of this variant in disease. Therefore, it has been classified as a Variant of Uncertain Significance.

NM_004484.4(GPC3):c.1004A>G (p.Gln335Arg)

Gene: GPC3 (glypican 3; minus strand). Cytogenetic location: Xq26.2.
Variant type: single nucleotide variant.
Coding change: c.1004A>G on transcript NM_004484.4 (MANE Select); coding-DNA position 1004, A replaced by G.
Protein change: p.Gln335Arg; replaces glutamine 335 with arginine.
Molecular consequence: missense variant.
Genome position (GRCh38, 1-based): chrX:133,753,510, T>C on the plus strand (A>G on the coding strand, the complement: GPC3 is on the minus strand). VCF-style: chrX-133753510-T-C. GRCh37 (hg19) VCF-style: chrX-132887537-T-C.
Other names: c.1004A>G, p.Gln335Arg (NM_001164617.2); c.956A>G, p.Gln319Arg (NM_001164618.2); c.842A>G, p.Gln281Arg (NM_001164619.2); short protein forms Q319R, Q335R, Q281R.
Identifiers: ClinVar variation 2897162 (VCV002897162.3), dbSNP rs2071687961, ClinGen allele CA414705064.